The following is an entry in ClinVar:

NM_002519.3(NPAT):c.302G>T (p.Ser101Ile)

Gene: NPAT (nuclear protein, coactivator of histone transcription; minus strand). Cytogenetic location: 11q22.3.
Variant type: single nucleotide variant.
Coding change: c.302G>T on transcript NM_002519.3 (MANE Select); coding-DNA position 302, G replaced by T.
Protein change: p.Ser101Ile; replaces serine 101 with isoleucine.
Molecular consequence: missense variant.
Genome position (GRCh38, 1-based): chr11:108,190,489, C>A on the plus strand (G>T on the coding strand, the complement: NPAT is on the minus strand). VCF-style: chr11-108190489-C-A. GRCh37 (hg19) VCF-style: chr11-108061216-C-A.
Other names: c.302G>T, p.Ser101Ile (NM_001321307.1); short protein forms S101I.
Identifiers: ClinVar variation 1799023 (VCV001799023.2), dbSNP rs769173311, ClinGen allele CA6264337.

ClinVar aggregate classification (germline): Uncertain significance (1 of 4 stars; one submission).

Allele frequency attached by ClinVar (database versions not stated): TOPMed below 0.00001; ExAC 0.00001.

Submission:

Ambry Genetics
Classification: Uncertain significance. Last evaluated: 2023-12-22. Review status: criteria provided, single submitter. Criteria: Ambry Variant Classification Scheme 2023. Collection method: clinical testing. Allele origin: germline.
Comment: The p.S101I variant (also known as c.302G>T), located in coding exon 5 of the NPAT gene, results from a G to T substitution at nucleotide position 302. The serine at codon 101 is replaced by isoleucine, an amino acid with dissimilar properties. This amino acid position is conserved. In addition, this alteration is predicted to be tolerated by in silico analysis. Since supporting evidence is limited at this time, the clinical significance of this alteration remains unclear.